The following is an entry in ClinVar:

NM_030665.4(RAI1):c.1393G>A (p.Val465Ile)

Gene: RAI1 (retinoic acid induced 1; plus strand). Cytogenetic location: 17p11.2.
Variant type: single nucleotide variant.
Coding change: c.1393G>A on transcript NM_030665.4 (MANE Select); coding-DNA position 1393, G replaced by A.
Protein change: p.Val465Ile; replaces valine 465 with isoleucine.
Molecular consequence: missense variant.
Genome position (GRCh38, 1-based): chr17:17,794,341, G>A. VCF-style: chr17-17794341-G-A. GRCh37 (hg19) VCF-style: chr17-17697655-G-A.
Other names: short protein forms V465I.
Identifiers: ClinVar variation 4681142 (VCV004681142.1).

ClinVar aggregate classification (germline): Uncertain significance (1 of 4 stars; one submission).

gnomAD v4.1: 1 of 1,613,124 alleles (0.000062%); highest among the groups gnomAD compares: African/African-American, 0.0013%; no homozygotes.

Submission:

GeneDx
Classification: Uncertain significance. Last evaluated: 2025-07-05. Review status: criteria provided, single submitter. Criteria: GeneDx Variant Classification Process June 2021. Collection method: clinical testing. Allele origin: germline. Affected: yes.
Comment: Not observed at significant frequency in large population cohorts (gnomAD); In silico analysis suggests that this missense variant does not alter protein structure/function; Has not been previously published as pathogenic or benign to our knowledge